The following is an entry in ClinVar:

NM_001244008.2(KIF1A):c.3698A>G (p.Lys1233Arg)

Gene: KIF1A (kinesin family member 1A; minus strand). Cytogenetic location: 2q37.3.
Variant type: single nucleotide variant.
Coding change: c.3698A>G on transcript NM_001244008.2 (MANE Select); coding-DNA position 3698, A replaced by G.
Protein change: p.Lys1233Arg; replaces lysine 1233 with arginine.
Molecular consequence: missense variant.
Genome position (GRCh38, 1-based): chr2:240,741,320, T>C on the plus strand (A>G on the coding strand, the complement: KIF1A is on the minus strand). VCF-style: chr2-240741320-T-C. GRCh37 (hg19) VCF-style: chr2-241680737-T-C.
Other names: c.3422A>G, p.Lys1141Arg (NM_001320705.2, NM_001330289.2, NM_001379638.1); c.3497A>G, p.Lys1166Arg (NM_001330290.2, NM_001379634.1, NM_001379635.1 and 1 more transcripts); c.3773A>G, p.Lys1258Arg (NM_001379631.1); c.3647A>G, p.Lys1216Arg (NM_001379632.1); c.3671A>G, p.Lys1224Arg (NM_001379633.1, NM_001379642.1, NM_001379645.1); c.3395A>G, p.Lys1132Arg (NM_001379636.1, NM_001379639.1, NM_001379641.1 and 5 more transcripts); c.3470A>G, p.Lys1157Arg (NM_001379637.1, NM_001379648.1); c.3392A>G, p.Lys1131Arg (NM_001379640.1); short protein forms K1132R, K1233R, K1141R, K1166R, K1131R, K1157R, K1216R, K1224R.
Identifiers: ClinVar variation 464234 (VCV000464234.38), dbSNP rs1553629083, ClinGen allele CA351315398.

ClinVar aggregate classification (germline): Uncertain significance. Review status: criteria provided, multiple submitters, no conflicts (2 of 4 stars). 2 submissions from 2 submitters: Uncertain significance (2). Last evaluated 2022-07-01.

Conditions:
Hereditary spastic paraplegia 30. Identifiers: Orphanet 101010, MedGen C5235139, MONDO:0012476.
Neuropathy, hereditary sensory, type 2C. Also called: Hereditary sensory and autonomic neuropathy type IIC; KIF1A-Related HSAN2 (HSAN2C). Identifiers: Orphanet 970, MedGen C3280168, MONDO:0013634, OMIM 614213.
Intellectual disability, autosomal dominant 9 (NESCAVS). Also called: NESCAV SYNDROME; KIF1A-Related Neurodevelopmental Disorder. Identifiers: Orphanet 662367, MedGen C5393830, MONDO:0013656, OMIM 614255.

Allele frequency attached by ClinVar (database versions not stated): gnomAD exomes below 0.00001.
gnomAD v4.1: 1 of 1,600,764 alleles (0.000062%); highest among the groups gnomAD compares: East Asian, 0.0022%; no homozygotes.

Submissions (2):

CeGaT Center for Human Genetics Tuebingen
Classification: Uncertain significance. Last evaluated: 2022-07-01. Review status: criteria provided, single submitter. Criteria: CeGaT Center For Human Genetics Tuebingen Variant Classification Criteria Version 2. Collection method: clinical testing. Allele origin: germline. Affected: yes. Observed: 1 variant allele.
Comment: KIF1A: PM2, PP2, PP3, BP5

Labcorp Genetics (formerly Invitae), Labcorp
Classification: Uncertain significance for Hereditary spastic paraplegia 30; Neuropathy, hereditary sensory, type 2C; Intellectual disability, autosomal dominant 9. Last evaluated: 2017-06-12. Review status: criteria provided, single submitter. Criteria: Invitae Variant Classification Sherloc (09022015). Collection method: clinical testing. Allele origin: germline.
Comment: In summary, this variant is a novel missense change with uncertain impact on protein function. It has been classified as a Variant of Uncertain Significance. Algorithms developed to predict the effect of sequence changes on RNA splicing suggest that this variant may alter RNA splicing, but this prediction has not been confirmed by published transcriptional studies. Algorithms developed to predict the effect of missense changes on protein structure and function (SIFT, PolyPhen-2, Align-GVGD) all suggest that this variant is likely to be tolerated, but these predictions have not been confirmed by published functional studies. This variant is not present in population databases (ExAC no frequency) and has not been reported in the literature in individuals with a KIF1A-related disease. This sequence change replaces lysine with arginine at codon 1132 of the KIF1A protein (p.Lys1132Arg). The lysine residue is highly conserved and there is a small physicochemical difference between lysine and arginine.